The following is an entry in ClinVar:

ClinVar aggregate classification (germline): Benign. Review status: criteria provided, multiple submitters, no conflicts (2 of 4 stars). 2 submissions from 2 submitters: Benign (2). Last evaluated 2018-01-13.

Conditions:
Bardet-Biedl syndrome 12 (BBS12). Identifiers: Orphanet 110, MedGen C1859570, MONDO:0014440, OMIM 615989.

Allele frequency attached by ClinVar (database versions not stated): gnomAD 0.20517 and 0.21071; gnomAD exomes 0.23500; 1000 Genomes Project 0.13918; 1000 Genomes Project 30x 0.14085; TOPMed 0.20116.
gnomAD v4.1: 31,207 of 152,466 alleles (20%); highest among the groups gnomAD compares: Non-Finnish European, 23%; 3,498 homozygotes.

Submissions (2):

Illumina Laboratory Services, Illumina
Classification: Benign for Bardet-Biedl syndrome 12. Last evaluated: 2018-01-13. Review status: criteria provided, single submitter. Criteria: ICSL Variant Classification Criteria 13 December 2019. Collection method: clinical testing. Allele origin: germline.
Comment: This variant was observed in the ICSL laboratory as part of a predisposition screen in an ostensibly healthy population. It had not been previously curated by ICSL or reported in the Human Gene Mutation Database (HGMD: prior to June 1st, 2018), and was therefore a candidate for classification through an automated scoring system. Utilizing variant allele frequency, disease prevalence and penetrance estimates, and inheritance mode, an automated score was calculated to assess if this variant is too frequent to cause the disease. Based on the score and internal cut-off values, a variant classified as benign is not then subjected to further curation. The score for this variant resulted in a classification of benign for this disease.

Breakthrough Genomics
Classification: Benign. Review status: criteria provided, single submitter. Criteria: ACMG Guidelines, 2015. Collection method: not provided. Allele origin: germline. Inheritance: Autosomal recessive inheritance. Affected: yes.

NM_152618.3(BBS12):c.-124G>A

Gene: BBS12 (Bardet-Biedl syndrome 12; plus strand). Cytogenetic location: 4q27.
Variant type: single nucleotide variant.
Coding change: c.-124G>A on transcript NM_152618.3 (MANE Select); 124 bases upstream of the start codon, G replaced by A.
Molecular consequence: 5 prime UTR variant.
Genome position (GRCh38, 1-based): chr4:122,732,771, G>A. VCF-style: chr4-122732771-G-A. GRCh37 (hg19) VCF-style: chr4-123653926-G-A.
Other names: c.-312G>A (NM_001178007.2).
Identifiers: ClinVar variation 347494 (VCV000347494.6), dbSNP rs309358, ClinGen allele CA10617027.
Genomic context (GRCh38, chr4:122,732,771, plus strand): 5'-CAACTAAGCCCCCGGCTCCTCCAGAAGCCCCTCTTCGCACATGCGCAAACTGCGGACGGG[G>A]AACTGGGCTCCCTAGCCCTGGCGTTTTTGGTGTTGCTGTCCCAGCCAGAATCGCGTCTGG-3'